The following is an entry in ClinVar:

ClinVar aggregate classification (germline): Uncertain significance (1 of 4 stars; one submission).

Conditions:
Hereditary cancer-predisposing syndrome. Also called: Neoplastic Syndromes, Hereditary; Tumor predisposition; Hereditary Cancer Syndrome; Hereditary neoplastic syndrome. Identifiers: Orphanet 140162, MedGen C0027672, MeSH D009386, MONDO:0015356.

Submission:

Ambry Genetics
Classification: Uncertain significance for Hereditary cancer-predisposing syndrome. Last evaluated: 2026-05-27. Review status: criteria provided, single submitter. Criteria: Ambry Variant Classification Scheme 2023. Collection method: clinical testing. Allele origin: germline.
Comment: The c.8632+1142A>G intronic variant results from an A to G substitution 1142 nucleotides after coding exon 19 in the BRCA2 gene. This nucleotide position is highly conserved in available vertebrate species. In silico splice site analysis predicts that this alteration may result in the creation or strengthening of a novel splice acceptor site. RNA studies have demonstrated that this variant results in a splice defect; the clinical impact of this abnormal splicing is unknown at this time (Ambry internal data). Based on the available evidence, the clinical significance of this variant remains unclear.

NM_000059.4(BRCA2):c.8632+1142A>G

Gene: BRCA2 (BRCA2 DNA repair associated; plus strand). Cytogenetic location: 13q13.1.
Variant type: single nucleotide variant.
Coding change: c.8632+1142A>G on transcript NM_000059.4 (MANE Select); 1142 bases into the intron after coding-DNA position 8632, A replaced by G.
Molecular consequence: intron variant.
Genome position (GRCh38, 1-based): chr13:32,372,242, A>G. VCF-style: chr13-32372242-A-G. GRCh37 (hg19) VCF-style: chr13-32946379-A-G.
Other names: c.8632+1142A>G (NM_001432077.1, NM_001406720.1); c.8536+1142A>G (NM_001406719.1); c.3700+1142A>G (NM_001406721.1); c.2215+1142A>G (NM_001406722.1).
Identifiers: ClinVar variation 3992845 (VCV003992845.2).
Genomic context (GRCh38, chr13:32,372,242, plus strand): 5'-TATCAAACTCTGCTTTATCAGAATATTATGTAATATTCTAAATCCTTTGTTGTCATTTCA[A>G]CAATATTCACAGCACCTTCGCCAGGACTAGATTCCCTCTCAAGAAACTACTTTCTTTGCT-3'